The following is an entry in ClinVar:

NM_001195553.2(DCX):c.937G>A (p.Asp313Asn)

Gene: DCX (doublecortin; minus strand). Cytogenetic location: Xq23.
Variant type: single nucleotide variant.
Coding change: c.937G>A on transcript NM_001195553.2 (MANE Select); coding-DNA position 937, G replaced by A.
Protein change: p.Asp313Asn; replaces aspartic acid 313 with asparagine.
Molecular consequence: missense variant. On other transcripts: intron variant (6).
Genome position (GRCh38, 1-based): chrX:111,330,913, C>T on the plus strand (G>A on the coding strand, the complement: DCX is on the minus strand). VCF-style: chrX-111330913-C-T. GRCh37 (hg19) VCF-style: chrX-110574141-C-T.
Other names: c.937G>A, p.Asp313Asn (NM_001369370.1, NM_001369371.1, NM_001410715.1 and 1 more transcripts); c.931+6G>A (NM_001369373.1, NM_178153.3, NM_001369372.1 and 2 more transcripts); c.1174+6G>A (NM_000555.3); short protein forms D313N.
Identifiers: ClinVar variation 3629560 (VCV003629560.3).

ClinVar aggregate classification (germline): Uncertain significance. Review status: criteria provided, multiple submitters, no conflicts (2 of 4 stars). 2 submissions from 2 submitters: Uncertain significance (2). Last evaluated 2025-10-18.

Submissions (2):

Labcorp Genetics (formerly Invitae), Labcorp
Classification: Uncertain significance. Last evaluated: 2025-10-18. Review status: criteria provided, single submitter. Criteria: Invitae Variant Classification Sherloc (09022015). Collection method: clinical testing. Allele origin: germline.
Comment: This sequence change falls in intron 5 of the DCX gene. It does not directly change the encoded amino acid sequence of the DCX protein. It affects a nucleotide within the consensus splice site. This variant is not present in population databases (gnomAD no frequency). This variant has not been reported in the literature in individuals affected with DCX-related conditions. ClinVar contains an entry for this variant (Variation ID: 3629560). Variants that disrupt the consensus splice site are a relatively common cause of aberrant splicing (PMID: 17576681, 9536098). Algorithms developed to predict the effect of sequence changes on RNA splicing suggest that this variant is not likely to affect RNA splicing. In summary, the available evidence is currently insufficient to determine the role of this variant in disease. Therefore, it has been classified as a Variant of Uncertain Significance.

Women's Health and Genetics/Laboratory Corporation of America, LabCorp
Classification: Uncertain significance. Last evaluated: 2024-11-26. Review status: criteria provided, single submitter. Criteria: LabCorp Variant Classification Summary - May 2015. Collection method: clinical testing. Allele origin: germline.
Comment: Variant summary: DCX c.931+6G>A alters a conserved nucleotide located close to a canonical splice site and therefore could affect mRNA splicing, leading to a significantly altered protein sequence. Consensus agreement among computation tools predict no significant impact on normal splicing. However, these predictions have yet to be confirmed by functional studies. The variant was absent in 183085 control chromosomes. The available data on variant occurrences in the general population are insufficient to allow any conclusion about variant significance. To our knowledge, no occurrence of c.931+6G>A in individuals affected with DCX-Related Disorders and no experimental evidence demonstrating its impact on protein function have been reported. No submitters have cited clinical-significance assessments for this variant to ClinVar. Based on the evidence outlined above, the variant was classified as uncertain significance.

Literature cited by the submitters: PubMed 17576681 (cited by Labcorp Genetics (formerly Invitae), Labcorp); PubMed 9536098 (cited by Labcorp Genetics (formerly Invitae), Labcorp).